The following is an entry in ClinVar:

NM_001142800.2(EYS):c.592T>G (p.Tyr198Asp)

Gene: EYS (EGF-like photoreceptor maintenance factor; minus strand). Cytogenetic location: 6q12.
Variant type: single nucleotide variant.
Coding change: c.592T>G on transcript NM_001142800.2 (MANE Select); coding-DNA position 592, T replaced by G.
Protein change: p.Tyr198Asp; replaces tyrosine 198 with aspartic acid.
Molecular consequence: missense variant.
Genome position (GRCh38, 1-based): chr6:65,494,819, A>C on the plus strand (T>G on the coding strand, the complement: EYS is on the minus strand). VCF-style: chr6-65494819-A-C. GRCh37 (hg19) VCF-style: chr6-66204712-A-C.
Other names: c.592T>G, p.Tyr198Asp (NM_001142801.2, NM_001292009.2, NM_198283.2); c.592T>G (NM_001142800.1); short protein forms Y198D.
Identifiers: ClinVar variation 2000666 (VCV002000666.5), dbSNP rs886061686, ClinGen allele CA364789576.

ClinVar aggregate classification (germline): Uncertain significance. Review status: criteria provided, single submitter (1 of 4 stars). 2 submissions from 2 submitters: Uncertain significance (1). 1 of the submissions does not count toward it. Last evaluated 2022-06-25.

Conditions:
Retinitis pigmentosa 25 (RP25). Identifiers: Orphanet 791, MedGen C1864446, MONDO:0011272, OMIM 602772.

gnomAD v4.1: 1 of 1,614,084 alleles (0.000062%); highest among the groups gnomAD compares: Admixed American, 0.0017%; no homozygotes.

Submissions (2):

Labcorp Genetics (formerly Invitae), Labcorp
Classification: Uncertain significance. Last evaluated: 2022-06-25. Review status: criteria provided, single submitter. Criteria: Invitae Variant Classification Sherloc (09022015). Collection method: clinical testing. Allele origin: germline.
Comment: This variant is not present in population databases (gnomAD no frequency). This sequence change replaces tyrosine, which is neutral and polar, with aspartic acid, which is acidic and polar, at codon 198 of the EYS protein (p.Tyr198Asp). This variant has not been reported in the literature in individuals affected with EYS-related conditions. In summary, the available evidence is currently insufficient to determine the role of this variant in disease. Therefore, it has been classified as a Variant of Uncertain Significance. Algorithms developed to predict the effect of missense changes on protein structure and function (SIFT, PolyPhen-2, Align-GVGD) all suggest that this variant is likely to be disruptive.

Natera, Inc.
Classification: Uncertain significance for Retinitis pigmentosa type 25. Last evaluated: 2025-04-11. Review status: no assertion criteria provided. Collection method: clinical testing. Allele origin: germline. Not counted in ClinVar's aggregate classification.